The following is an entry in ClinVar:

ClinVar aggregate classification (germline): Uncertain significance (1 of 4 stars; one submission).

Conditions:
Silver-russell syndrome 4. Identifiers: MedGen C5394450, MONDO:0030118, OMIM 618907.

Allele frequency attached by ClinVar (database versions not stated): gnomAD exomes below 0.00001.
gnomAD v4.1: 1 of 1,614,066 alleles (0.000062%); highest among the groups gnomAD compares: Non-Finnish European, 0.000085%; no homozygotes.

Submission:

Center for Human Genetics and Genomic Medicine, Uniklinik Rwth Aachen
Classification: Uncertain significance for Silver-russell syndrome 4. Last evaluated: 2024-04-10. Review status: criteria provided, single submitter. Criteria: ACMG Guidelines, 2015. Collection method: clinical testing. Allele origin: unknown. Inheritance: Autosomal dominant inheritance. Affected: yes.
Comment: The variant is absent from controls and online databases (gnomAD, dbSNP, ClinVar). Bioninformatic predicition tools suggest a damaging effect (SIFT(v6.2.0), Poly-Phen-2, MutationTaster (v2021), CADD(v.1.6). ACMG criteria are PM2, PP3. The variant meets the criteria to be classified as VUS.

NM_002655.3(PLAG1):c.545A>T (p.Glu182Val)

Genes: PLAG1 (PLAG1 zinc finger; minus strand), LOC126860395 (BRD4-independent group 4 enhancer GRCh37_chr8:57079228-57080427; plus strand). Cytogenetic location: 8q12.1.
Variant type: single nucleotide variant.
Coding change: c.545A>T on transcript NM_002655.3 (MANE Select); coding-DNA position 545, A replaced by T.
Protein change: p.Glu182Val; replaces glutamic acid 182 with valine.
Molecular consequence: missense variant.
Genome position (GRCh38, 1-based): chr8:56,167,201, T>A on the plus strand (A>T on the coding strand, the complement: PLAG1 is on the minus strand). VCF-style: chr8-56167201-T-A. GRCh37 (hg19) VCF-style: chr8-57079760-T-A.
Other names: c.545A>T, p.Glu182Val (NM_001114634.2); c.299A>T, p.Glu100Val (NM_001114635.2); short protein forms E100V, E182V.
Identifiers: ClinVar variation 3068518 (VCV003068518.2), dbSNP rs2487107294, ClinGen allele CA371378355.
Genomic context (GRCh38, chr8:56,167,201, plus strand): 5'-CTCCGGACATCCTTTCGGGTGTAGAACCGGCGATCACAATGTTCGCACTGGTGCTTTTTT[T>A]CTTTAACCCCACCAGACGACTTGCCTGCATGAGATTTAAGGTGCTCCAGAAGCACTCCCG-3'
Protein context (NP_002646.2, residues 172-192): HAGKSSGGVK[Glu182Val]KKHQCEHCDR